The following is an entry in ClinVar:

NM_000038.6(APC):c.5804A>C (p.Gln1935Pro)

Gene: APC (APC regulator of Wnt signaling pathway; plus strand). Cytogenetic location: 5q22.2.
Variant type: single nucleotide variant.
Coding change: c.5804A>C on transcript NM_000038.6 (MANE Select); coding-DNA position 5804, A replaced by C.
Protein change: p.Gln1935Pro; replaces glutamine 1935 with proline.
Molecular consequence: missense variant.
Genome position (GRCh38, 1-based): chr5:112,841,398, A>C. VCF-style: chr5-112841398-A-C. GRCh37 (hg19) VCF-style: chr5-112177095-A-C.
Other names: c.5804A>C, p.Gln1935Pro (NM_001127510.3, NM_001354895.2, NM_001407450.1); c.5750A>C, p.Gln1917Pro (NM_001127511.3); c.5858A>C, p.Gln1953Pro (NM_001354896.2, NM_001407447.1, NM_001407448.1 and 1 more transcripts); c.5834A>C, p.Gln1945Pro (NM_001354897.2); c.5729A>C, p.Gln1910Pro (NM_001354898.2); c.5720A>C, p.Gln1907Pro (NM_001354899.2); c.5681A>C, p.Gln1894Pro (NM_001354900.2); c.5627A>C, p.Gln1876Pro (NM_001354901.2, NM_001407453.1); and 11 more; short protein forms Q1806P, Q1809P, Q1894P, Q1935P, Q1652P, Q1852P, Q1928P, Q1551P.
Identifiers: ClinVar variation 1995907 (VCV001995907.4), dbSNP rs1346125460, ClinGen allele CA16034027.

ClinVar aggregate classification (germline): Uncertain significance (1 of 4 stars; one submission).

Conditions:
Familial adenomatous polyposis 1 (FAP1). Also called: FAMILIAL ADENOMATOUS POLYPOSIS 1, ATTENUATED; POLYPOSIS, ADENOMATOUS INTESTINAL. Identifiers: MedGen C2713442, MONDO:0021056, OMIM 175100. Disease mechanism: loss of function.

Submission:

Labcorp Genetics (formerly Invitae), Labcorp
Classification: Uncertain significance for Familial adenomatous polyposis 1. Last evaluated: 2022-05-18. Review status: criteria provided, single submitter. Criteria: Invitae Variant Classification Sherloc (09022015). Collection method: clinical testing. Allele origin: germline.
Comment: This sequence change replaces glutamine, which is neutral and polar, with proline, which is neutral and non-polar, at codon 1935 of the APC protein (p.Gln1935Pro). This variant is not present in population databases (gnomAD no frequency). This variant has not been reported in the literature in individuals affected with APC-related conditions. Algorithms developed to predict the effect of missense changes on protein structure and function (SIFT, PolyPhen-2, Align-GVGD) all suggest that this variant is likely to be tolerated. In summary, the available evidence is currently insufficient to determine the role of this variant in disease. Therefore, it has been classified as a Variant of Uncertain Significance.